The following is an entry in ClinVar:

NM_006258.4(PRKG1):c.1993G>T (p.Asp665Tyr)

Gene: PRKG1 (protein kinase cGMP-dependent 1; plus strand). Cytogenetic location: 10q21.1.
Variant type: single nucleotide variant.
Coding change: c.1993G>T on transcript NM_006258.4 (MANE Select); coding-DNA position 1993, G replaced by T.
Protein change: p.Asp665Tyr; replaces aspartic acid 665 with tyrosine.
Molecular consequence: missense variant.
Genome position (GRCh38, 1-based): chr10:52,293,832, G>T. VCF-style: chr10-52293832-G-T. GRCh37 (hg19) VCF-style: chr10-54053592-G-T.
Other names: c.784G>T, p.Asp262Tyr (NM_001374781.1); c.1948G>T, p.Asp650Tyr (NM_001098512.3); short protein forms D262Y, D650Y, D665Y.
Identifiers: ClinVar variation 1214396 (VCV001214396.3), dbSNP rs2132469736, ClinGen allele CA376536797.

ClinVar aggregate classification (germline): Uncertain significance (1 of 4 stars; one submission).

Submission:

GeneDx
Classification: Uncertain significance. Last evaluated: 2020-11-13. Review status: criteria provided, single submitter. Criteria: GeneDx Variant Classification Process June 2021. Collection method: clinical testing. Allele origin: germline. Affected: yes.
Comment: Has not been previously published as pathogenic or benign to our knowledge; Not observed in large population cohorts (Lek et al., 2016); In silico analysis supports that this missense variant has a deleterious effect on protein structure/function